The following is an entry in ClinVar:

NM_153026.3(PRICKLE1):c.1313G>C (p.Arg438Pro)

Gene: PRICKLE1 (prickle planar cell polarity protein 1; minus strand). Cytogenetic location: 12q12.
Variant type: single nucleotide variant.
Coding change: c.1313G>C on transcript NM_153026.3 (MANE Select); coding-DNA position 1313, G replaced by C.
Protein change: p.Arg438Pro; replaces arginine 438 with proline.
Molecular consequence: missense variant.
Genome position (GRCh38, 1-based): chr12:42,464,721, C>G on the plus strand (G>C on the coding strand, the complement: PRICKLE1 is on the minus strand). VCF-style: chr12-42464721-C-G. GRCh37 (hg19) VCF-style: chr12-42858523-C-G.
Other names: c.1313G>C, p.Arg438Pro (NM_001144881.2, NM_001144882.2, NM_001144883.2); short protein forms R438P.
Identifiers: ClinVar variation 1053964 (VCV001053964.9), dbSNP rs1306531699, ClinGen allele CA384441981.

ClinVar aggregate classification (germline): Uncertain significance (1 of 4 stars; one submission).

Conditions:
Epilepsy, progressive myoclonic, 1B. Also called: PME. Identifiers: Orphanet 308, MedGen C2676254, MONDO:0012904, OMIM 612437.

Submission:

Labcorp Genetics (formerly Invitae), Labcorp
Classification: Uncertain significance for Epilepsy, progressive myoclonic, 1B. Last evaluated: 2025-12-22. Review status: criteria provided, single submitter. Criteria: Invitae Variant Classification Sherloc (09022015). Collection method: clinical testing. Allele origin: germline.
Comment: This sequence change replaces arginine, which is basic and polar, with proline, which is neutral and non-polar, at codon 438 of the PRICKLE1 protein (p.Arg438Pro). This variant is not present in population databases (gnomAD no frequency). This variant has not been reported in the literature in individuals affected with PRICKLE1-related conditions. ClinVar contains an entry for this variant (Variation ID: 1053964). Invitae Evidence Modeling of protein sequence and biophysical properties (such as structural, functional, and spatial information, amino acid conservation, physicochemical variation, residue mobility, and thermodynamic stability) indicates that this missense variant is not expected to disrupt PRICKLE1 protein function with a negative predictive value of 80%. In summary, the available evidence is currently insufficient to determine the role of this variant in disease. Therefore, it has been classified as a Variant of Uncertain Significance.